The following is an entry in ClinVar:

NM_004360.5(CDH1):c.1712-14G>A

Gene: CDH1 (cadherin 1; plus strand). Cytogenetic location: 16q22.1.
Variant type: single nucleotide variant.
Coding change: c.1712-14G>A on transcript NM_004360.5 (MANE Select); 14 bases into the intron before coding-DNA position 1712, G replaced by A.
Molecular consequence: intron variant.
Genome position (GRCh38, 1-based): chr16:68,821,987, G>A. VCF-style: chr16-68821987-G-A. GRCh37 (hg19) VCF-style: chr16-68855890-G-A.
Other names: c.164-14G>A (NM_001317185.2); c.-254-14G>A (NM_001317186.2); c.1529-14G>A (NM_001317184.2); c.1712-14G>A (NM_004360.4, NM_004360.3).
Identifiers: ClinVar variation 1619235 (VCV001619235.12), dbSNP rs2152138120, ClinGen allele CA2573152604.
Genomic context (GRCh38, chr16:68,821,987, plus strand): 5'-CTTGGTCTGGTGGAAGGCAATGGGGATTCATTACTGTTGCCAAGCTGCCACATTTTCTGT[G>A]TATTTTCTCTTAGGTTCTCCAGTTGCTACTGGAACAGGGACACTTCTGCTGATCCTGTCT-3'

ClinVar aggregate classification (germline): Conflicting classifications of pathogenicity. Review status: criteria provided, conflicting classifications (1 of 4 stars). 4 submissions from 4 submitters: Uncertain significance (1); Likely benign (3). Last evaluated 2026-01-19.

Conditions:
Ovarian cancer. Also called: OVARIAN CANCER, SOMATIC. Identifiers: Orphanet 213500, MedGen C1140680, MONDO:0008170, OMIM 167000.
Familial cancer of breast. Also called: BREAST CANCER, FAMILIAL; Hereditary breast cancer; hereditary breast carcinoma. Identifiers: Orphanet 227535, MedGen C0346153, MONDO:0016419, OMIM 114480. Disease mechanism: loss of function.
Breast and/or ovarian cancer. Identifiers: MedGen CN221562.
Hereditary diffuse gastric adenocarcinoma (HDGC). Also called: DIFFUSE GASTRIC AND LOBULAR BREAST CANCER SYNDROME. Identifiers: Orphanet 26106, MedGen C1708349, MONDO:0007648, OMIM 137215.

gnomAD v4.1: 3 of 1,606,366 alleles (0.00019%); highest among the groups gnomAD compares: Non-Finnish European, 0.00026%; no homozygotes.

Submissions (4):

Labcorp Genetics (formerly Invitae), Labcorp
Classification: Likely benign for Hereditary diffuse gastric adenocarcinoma. Last evaluated: 2026-01-19. Review status: criteria provided, single submitter. Criteria: Invitae Variant Classification Sherloc (09022015). Collection method: clinical testing. Allele origin: germline.

Myriad Genetics, Inc.
Classification: Likely benign for Hereditary diffuse gastric adenocarcinoma. Last evaluated: 2024-09-19. Review status: criteria provided, single submitter. Criteria: Myriad Autosomal Dominant, Autosomal Recessive and X-Linked Classification Criteria (2023). Collection method: clinical testing. Allele origin: unknown.
Comment: This variant is considered likely benign. This variant is intronic and is not expected to impact mRNA splicing.

CHEO Genetics Diagnostic Laboratory, Children's Hospital of Eastern Ontario
Classification: Uncertain significance for Breast and/or ovarian cancer. Last evaluated: 2022-12-23. Review status: criteria provided, single submitter. Criteria: ACMG Guidelines, 2015. Collection method: clinical testing. Allele origin: germline.

Department of Pathology and Laboratory Medicine, Sinai Health System
Classification: Likely benign for Familial cancer of breast; Ovarian cancer. Last evaluated: 2019-11-07. Review status: criteria provided, single submitter. Criteria: ACMG Guidelines, 2015. Collection method: clinical testing. Allele origin: germline. Affected: yes.